The following is an entry in ClinVar:

NM_006516.4(SLC2A1):c.694C>T (p.Arg232Cys)

Gene: SLC2A1 (solute carrier family 2 member 1; minus strand). Cytogenetic location: 1p34.2.
Variant type: single nucleotide variant.
Coding change: c.694C>T on transcript NM_006516.4 (MANE Select); coding-DNA position 694, C replaced by T.
Protein change: p.Arg232Cys; replaces arginine 232 with cysteine.
Molecular consequence: missense variant.
Genome position (GRCh38, 1-based): chr1:42,929,766, G>A on the plus strand (C>T on the coding strand, the complement: SLC2A1 is on the minus strand). VCF-style: chr1-42929766-G-A. GRCh37 (hg19) VCF-style: chr1-43395437-G-A.
Other names: p.R232C:CGC>TGC; short protein forms R232C.
Identifiers: ClinVar variation 37301 (VCV000037301.47), dbSNP rs387907313, ClinGen allele CA019279.
Genomic context (GRCh38, chr1:42,929,766, plus strand): 5'-TCATCTGCCGACTCTCTTCCTTCATCTCCTGCAGGTCATGGGTCACGTCAGCTGTCCCGC[G>A]CAGCTTCTTTAGCACTGGGGGGACCGGAGGGAAGGTGAGGGTGGCTCAGAGTGGGAAGAA-3'
Protein context (NP_006507.2, residues 222-242): NRAKSVLKKL[Arg232Cys]GTADVTHDLQ

ClinVar aggregate classification (germline): Pathogenic/Likely pathogenic. Review status: criteria provided, multiple submitters, no conflicts (2 of 4 stars). 5 submissions from 5 submitters: Pathogenic (2); Likely pathogenic (2). 1 of the submissions does not count toward it. Last evaluated 2025-07-29.

Conditions:
Epilepsy, idiopathic generalized, susceptibility to, 12 (EIG12). Identifiers: MedGen C3553859, MONDO:0013919, OMIM 614847.
GLUT1 deficiency syndrome 1, autosomal recessive. Identifiers: MedGen C3149117.
Encephalopathy due to GLUT1 deficiency. Also called: GLUT1 deficiency syndrome 1; De Vivo disease; GLUT1 deficiency syndrome 1, infantile onset, severe; Glucose transporter protein syndrome; GLUCOSE TRANSPORT DEFECT, BLOOD-BRAIN BARRIER; Classic Glucose Transporter Type 1 Deficiency Syndrome. Identifiers: Orphanet 71277, MedGen C4551966, MONDO:0011724, OMIM 606777.

Allele frequency attached by ClinVar (database versions not stated): gnomAD exomes below 0.00001; ExAC 0.00001.

Submissions (5):

GeneDx
Classification: Pathogenic. Last evaluated: 2025-07-29. Review status: criteria provided, single submitter. Criteria: GeneDx Variant Classification Process June 2021. Collection method: clinical testing. Allele origin: germline. Affected: yes.
Comment: Published functional studies demonstrate a damaging effect on protein function (PMID: 22282645); In silico analysis supports that this missense variant has a deleterious effect on protein structure/function; Not observed at significant frequency in large population cohorts (gnomAD); This variant is associated with the following publications: (PMID: 24847886, 28717674, 22282645)

Labcorp Genetics (formerly Invitae), Labcorp
Classification: Pathogenic for GLUT1 deficiency syndrome 1, autosomal recessive. Last evaluated: 2025-02-10. Review status: criteria provided, single submitter. Criteria: Invitae Variant Classification Sherloc (09022015). Collection method: clinical testing. Allele origin: germline.
Comment: This sequence change replaces arginine, which is basic and polar, with cysteine, which is neutral and slightly polar, at codon 232 of the SLC2A1 protein (p.Arg232Cys). This variant is present in population databases (rs387907313, gnomAD 0.0009%). This missense change has been observed in individual(s) with idiopathic generalized epilepsy (PMID: 22282645; internal data). It has also been observed to segregate with disease in related individuals. ClinVar contains an entry for this variant (Variation ID: 37301). Invitae Evidence Modeling of protein sequence and biophysical properties (such as structural, functional, and spatial information, amino acid conservation, physicochemical variation, residue mobility, and thermodynamic stability) indicates that this missense variant is expected to disrupt SLC2A1 protein function with a positive predictive value of 95%. Experimental studies have shown that this missense change affects SLC2A1 function (PMID: 22282645). For these reasons, this variant has been classified as Pathogenic.

Genome-Nilou Lab
Classification: Likely pathogenic for Encephalopathy due to GLUT1 deficiency. Last evaluated: 2023-04-11. Review status: criteria provided, single submitter. Criteria: ACMG Guidelines, 2015. Collection method: clinical testing. Allele origin: germline. Affected: no.

CeGaT Center for Human Genetics Tuebingen
Classification: Likely pathogenic. Last evaluated: 2021-11-01. Review status: criteria provided, single submitter. Criteria: CeGaT Center For Human Genetics Tuebingen Variant Classification Criteria Version 2. Collection method: clinical testing. Allele origin: germline. Affected: yes. Observed: 1 variant allele.

OMIM
Classification: risk factor for EPILEPSY, IDIOPATHIC GENERALIZED, SUSCEPTIBILITY TO, 12. Last evaluated: 2012-02-21. Review status: no assertion criteria provided. Collection method: literature only. Allele origin: germline. Not counted in ClinVar's aggregate classification.

Literature cited by the submitters: PubMed 22282645 (cited by Labcorp Genetics (formerly Invitae), Labcorp and OMIM).